The following is an entry in ClinVar:

NM_001018115.3(FANCD2):c.571-2A>G

Genes: FANCD2 (FA complementation group D2; plus strand), LOC107303338 (3p25 FANCD2 Alu-mediated recombination region; plus strand). Cytogenetic location: 3p25.3.
Variant type: single nucleotide variant.
Coding change: c.571-2A>G on transcript NM_001018115.3 (MANE Select); the canonical splice acceptor site of the intron before coding-DNA position 571, A replaced by G.
Molecular consequence: splice acceptor variant.
Genome position (GRCh38, 1-based): chr3:10,039,719, A>G. VCF-style: chr3-10039719-A-G. GRCh37 (hg19) VCF-style: chr3-10081403-A-G.
Other names: c.571-2A>G (NM_001319984.2, NM_001374253.1, NM_033084.6 and 2 more transcripts).
Identifiers: ClinVar variation 2919003 (VCV002919003.3), dbSNP rs2470739404, ClinGen allele CA351724948.

ClinVar aggregate classification (germline): Likely pathogenic (1 of 4 stars; one submission).

Conditions:
Fanconi anemia (FA). Also called: Fanconi's anemia. Identifiers: Orphanet 84, MedGen C0015625, MeSH D005199, MONDO:0019391.

Submission:

Labcorp Genetics (formerly Invitae), Labcorp
Classification: Likely pathogenic for Fanconi anemia. Last evaluated: 2023-09-03. Review status: criteria provided, single submitter. Criteria: Invitae Variant Classification Sherloc (09022015). Collection method: clinical testing. Allele origin: germline.
Comment: In summary, the currently available evidence indicates that the variant is pathogenic, but additional data are needed to prove that conclusively. Therefore, this variant has been classified as Likely Pathogenic. Algorithms developed to predict the effect of sequence changes on RNA splicing suggest that this variant may disrupt the consensus splice site. This variant has not been reported in the literature in individuals affected with FANCD2-related conditions. This variant is not present in population databases (gnomAD no frequency). This sequence change affects an acceptor splice site in intron 8 of the FANCD2 gene. It is expected to disrupt RNA splicing. Variants that disrupt the donor or acceptor splice site typically lead to a loss of protein function (PMID: 16199547), and loss-of-function variants in FANCD2 are known to be pathogenic (PMID: 17436244).

Literature cited by the submitters: PubMed 16199547; PubMed 17436244.